The following is an entry in ClinVar:

ClinVar aggregate classification (germline): Likely pathogenic (1 of 4 stars; one submission).

Submission:

CeGaT Center for Human Genetics Tuebingen
Classification: Likely pathogenic. Last evaluated: 2025-11-01. Review status: criteria provided, single submitter. Criteria: CeGaT Center For Human Genetics Tuebingen Variant Classification Criteria Version 2. Collection method: clinical testing. Allele origin: germline. Affected: yes. Observed: 1 variant allele.
Comment: SCN1A: PM1, PM2, PP2, PP3

NM_001165963.4(SCN1A):c.4960A>G (p.Lys1654Glu)

Genes: SCN1A (sodium voltage-gated channel alpha subunit 1; minus strand), LOC102724058 (uncharacterized LOC102724058; plus strand). Cytogenetic location: 2q24.3.
Variant type: single nucleotide variant.
Coding change: c.4960A>G on transcript NM_001165963.4 (MANE Select); coding-DNA position 4960, A replaced by G.
Protein change: p.Lys1654Glu; replaces lysine 1654 with glutamic acid.
Molecular consequence: missense variant. On other transcripts: non-coding transcript variant (1).
Genome position (GRCh38, 1-based): chr2:165,992,315, T>C on the plus strand (A>G on the coding strand, the complement: SCN1A is on the minus strand). VCF-style: chr2-165992315-T-C. GRCh37 (hg19) VCF-style: chr2-166848825-T-C.
Other names: c.4876A>G, p.Lys1626Glu (NM_001165964.3, NM_001353957.2, NM_001353958.2); c.4960A>G, p.Lys1654Glu (NM_001202435.3, NM_001353948.2); c.4927A>G, p.Lys1643Glu (NM_001353949.2, NM_001353950.2, NM_001353951.2 and 2 more transcripts); c.4924A>G, p.Lys1642Glu (NM_001353954.2, NM_001353955.2); c.4873A>G, p.Lys1625Glu (NM_001353960.2); c.2518A>G, p.Lys840Glu (NM_001353961.2); short protein forms K1625E, K1626E, K1642E, K1643E, K1654E, K840E.
Identifiers: ClinVar variation 4535410 (VCV004535410.6).